The following is an entry in ClinVar:

NM_000179.3(MSH6):c.3401G>A (p.Gly1134Glu)

Gene: MSH6 (mutS homolog 6; plus strand). Cytogenetic location: 2p16.3.
Variant type: single nucleotide variant.
Coding change: c.3401G>A on transcript NM_000179.3 (MANE Select); coding-DNA position 3401, G replaced by A.
Protein change: p.Gly1134Glu; replaces glycine 1134 with glutamic acid.
Molecular consequence: missense variant.
Genome position (GRCh38, 1-based): chr2:47,803,648, G>A. VCF-style: chr2-47803648-G-A. GRCh37 (hg19) VCF-style: chr2-48030787-G-A.
Other names: c.3011G>A, p.Gly1004Glu (NM_001281492.2); c.2495G>A, p.Gly832Glu (NM_001281493.2, NM_001281494.2); short protein forms G1004E, G1134E, G832E.
Identifiers: ClinVar variation 1056312 (VCV001056312.9), dbSNP rs1376398586, ClinGen allele CA346758873.

ClinVar aggregate classification (germline): Uncertain significance (1 of 4 stars; one submission).

Conditions:
Hereditary nonpolyposis colorectal neoplasms. Identifiers: MedGen C0009405, MeSH D003123.

Submission:

Labcorp Genetics (formerly Invitae), Labcorp
Classification: Uncertain significance for Hereditary nonpolyposis colorectal neoplasms. Last evaluated: 2022-03-23. Review status: criteria provided, single submitter. Criteria: Invitae Variant Classification Sherloc (09022015). Collection method: clinical testing. Allele origin: germline.
Comment: In summary, the available evidence is currently insufficient to determine the role of this variant in disease. Therefore, it has been classified as a Variant of Uncertain Significance. Advanced modeling of protein sequence and biophysical properties (such as structural, functional, and spatial information, amino acid conservation, physicochemical variation, residue mobility, and thermodynamic stability) performed at Invitae indicates that this missense variant is expected to disrupt MSH6 protein function. ClinVar contains an entry for this variant (Variation ID: 1056312). This variant has not been reported in the literature in individuals affected with MSH6-related conditions. This variant is not present in population databases (gnomAD no frequency). This sequence change replaces glycine, which is neutral and non-polar, with glutamic acid, which is acidic and polar, at codon 1134 of the MSH6 protein (p.Gly1134Glu).